The following is an entry in ClinVar:

NM_144573.4(NEXN):c.1012G>C (p.Glu338Gln)

Gene: NEXN (nexilin F-actin binding protein; plus strand). Cytogenetic location: 1p31.1.
Variant type: single nucleotide variant.
Coding change: c.1012G>C on transcript NM_144573.4 (MANE Select); coding-DNA position 1012, G replaced by C.
Protein change: p.Glu338Gln; replaces glutamic acid 338 with glutamine.
Molecular consequence: missense variant.
Genome position (GRCh38, 1-based): chr1:77,929,463, G>C. VCF-style: chr1-77929463-G-C. GRCh37 (hg19) VCF-style: chr1-78395148-G-C.
Other names: c.820G>C, p.Glu274Gln (NM_001172309.2); short protein forms E274Q, E338Q.
Identifiers: ClinVar variation 1924958 (VCV001924958.5), dbSNP rs930103276, ClinGen allele CA24681151.

ClinVar aggregate classification (germline): Uncertain significance (1 of 4 stars; one submission).

Conditions:
Dilated cardiomyopathy 1CC (CMD1CC). Identifiers: Orphanet 154, MedGen C2751084, MONDO:0013147, OMIM 613122.
Hypertrophic cardiomyopathy 20. Identifiers: MedGen C3151267, MONDO:0013477, OMIM 613876.

Allele frequency attached by ClinVar (database versions not stated): TOPMed below 0.00001.
gnomAD v4.1: 2 of 1,613,262 alleles (0.00012%); highest among the groups gnomAD compares: East Asian, 0.0022%; no homozygotes.

Submission:

Labcorp Genetics (formerly Invitae), Labcorp
Classification: Uncertain significance for Dilated cardiomyopathy 1CC; Hypertrophic cardiomyopathy 20. Last evaluated: 2022-07-28. Review status: criteria provided, single submitter. Criteria: Invitae Variant Classification Sherloc (09022015). Collection method: clinical testing. Allele origin: germline.
Comment: This variant is present in population databases (no rsID available, gnomAD 0.01%). In summary, the available evidence is currently insufficient to determine the role of this variant in disease. Therefore, it has been classified as a Variant of Uncertain Significance. Algorithms developed to predict the effect of missense changes on protein structure and function (SIFT, PolyPhen-2, Align-GVGD) all suggest that this variant is likely to be tolerated. This variant has not been reported in the literature in individuals affected with NEXN-related conditions. This sequence change replaces glutamic acid, which is acidic and polar, with glutamine, which is neutral and polar, at codon 338 of the NEXN protein (p.Glu338Gln).